The following is an entry in ClinVar:

NM_022489.4(INF2):c.3041-75G>A

Gene: INF2 (inverted formin 2; plus strand). Cytogenetic location: 14q32.33.
Variant type: single nucleotide variant.
Coding change: c.3041-75G>A on transcript NM_022489.4 (MANE Select); 75 bases into the intron before coding-DNA position 3041, G replaced by A.
Molecular consequence: intron variant.
Genome position (GRCh38, 1-based): chr14:104,714,128, G>A. VCF-style: chr14-104714128-G-A. GRCh37 (hg19) VCF-style: chr14-105180465-G-A.
Other names: c.3041-75G>A (NM_001031714.4).
Identifiers: ClinVar variation 677266 (VCV000677266.2), dbSNP rs13379430, ClinGen allele CA14025710.

ClinVar aggregate classification (germline): Benign. Review status: criteria provided, multiple submitters, no conflicts (2 of 4 stars). 2 submissions from 2 submitters: Benign (2). Last evaluated 2018-06-16.

Allele frequency attached by ClinVar (database versions not stated): gnomAD exomes 0.00464; gnomAD 0.04490 and 0.04818; 1000 Genomes Project 0.04732; TOPMed 0.05167; 1000 Genomes Project 30x 0.05325.
gnomAD v4.1: 12,432 of 1,294,226 alleles (0.96%); highest among the groups gnomAD compares: African/African-American, 16%; 891 homozygotes.

Submissions (2):

GeneDx
Classification: Benign. Last evaluated: 2018-06-16. Review status: criteria provided, single submitter. Criteria: GeneDx Variant Classification (06012015). Collection method: clinical testing. Allele origin: germline. Affected: yes.
Comment: This variant is considered likely benign or benign based on one or more of the following criteria: it is a conservative change, it occurs at a poorly conserved position in the protein, it is predicted to be benign by multiple in silico algorithms, and/or has population frequency not consistent with disease.

Breakthrough Genomics
Classification: Benign. Review status: criteria provided, single submitter. Criteria: ACMG Guidelines, 2015. Collection method: not provided. Allele origin: germline. Inheritance: Autosomal dominant inheritance. Affected: yes.